The following is an entry in ClinVar:

ClinVar aggregate classification (germline): Likely pathogenic (1 of 4 stars; one submission).

Conditions:
Marfan syndrome (MFS). Also called: FBN1-Related Marfan Syndrome; MARFAN SYNDROME, TYPE I; Marfan syndrome type 1; Marfan's syndrome; Marfan syndrome, classic. Identifiers: Orphanet 284963, Orphanet 558, MedGen C0024796, MONDO:0007947, OMIM 154700.
Familial thoracic aortic aneurysm and aortic dissection (TAAD). Also called: Thoracic aortic aneurysms and dissections. Identifiers: Orphanet 91387, MedGen C4707243, MONDO:0019625.

Submission:

Labcorp Genetics (formerly Invitae), Labcorp
Classification: Likely pathogenic for Marfan syndrome; Familial thoracic aortic aneurysm and aortic dissection. Last evaluated: 2025-02-06. Review status: criteria provided, single submitter. Criteria: Invitae Variant Classification Sherloc (09022015). Collection method: clinical testing. Allele origin: germline.
Comment: This sequence change replaces cysteine, which is neutral and slightly polar, with arginine, which is basic and polar, at codon 2522 of the FBN1 protein (p.Cys2522Arg). This variant is not present in population databases (gnomAD no frequency). This variant has not been reported in the literature in individuals affected with FBN1-related conditions. Invitae Evidence Modeling of protein sequence and biophysical properties (such as structural, functional, and spatial information, amino acid conservation, physicochemical variation, residue mobility, and thermodynamic stability) indicates that this missense variant is expected to disrupt FBN1 protein function with a positive predictive value of 95%. This variant affects a cysteine residue in the EGF-like, TGFBP or hybrid motif domains of FBN1. Cysteine residues are believed to be involved in intramolecular disulfide bridges and have been shown to be important for FBN1 protein structure (PMID: 16905551, 19349279). In addition, missense substitutions affecting cysteine residues within these domains are significantly overrepresented among patients with Marfan syndrome (PMID: 16571647, 17701892). This variant disrupts the p.Cys2522 amino acid residue in FBN1. Other variant(s) that disrupt this residue have been observed in individuals with FBN1-related conditions (PMID: 10756346, 19533785), which suggests that this may be a clinically significant amino acid residue. In summary, the currently available evidence indicates that the variant is pathogenic, but additional data are needed to prove that conclusively. Therefore, this variant has been classified as Likely Pathogenic.

Literature cited by the submitters: PubMed 16905551; PubMed 19349279; PubMed 16571647; PubMed 17701892; PubMed 10756346; PubMed 19533785.

NM_000138.5(FBN1):c.7564T>C (p.Cys2522Arg)

Gene: FBN1 (fibrillin 1; minus strand). Cytogenetic location: 15q21.1.
Variant type: single nucleotide variant.
Coding change: c.7564T>C on transcript NM_000138.5 (MANE Select); coding-DNA position 7564, T replaced by C.
Protein change: p.Cys2522Arg; replaces cysteine 2522 with arginine.
Molecular consequence: missense variant.
Genome position (GRCh38, 1-based): chr15:48,421,958, A>G on the plus strand (T>C on the coding strand, the complement: FBN1 is on the minus strand). VCF-style: chr15-48421958-A-G. GRCh37 (hg19) VCF-style: chr15-48714155-A-G.
Other names: c.7564T>C, p.Cys2522Arg (NM_001406716.1); short protein forms C2522R.
Identifiers: ClinVar variation 4789633 (VCV004789633.1).